The following is an entry in ClinVar:

NM_000264.5(PTCH1):c.1515T>A (p.Phe505Leu)

Gene: PTCH1 (patched 1; minus strand). Cytogenetic location: 9q22.32.
Variant type: single nucleotide variant.
Coding change: c.1515T>A on transcript NM_000264.5 (MANE Select); coding-DNA position 1515, T replaced by A.
Protein change: p.Phe505Leu; replaces phenylalanine 505 with leucine.
Molecular consequence: missense variant. On other transcripts: non-coding transcript variant (1).
Genome position (GRCh38, 1-based): chr9:95,476,846, A>T on the plus strand (T>A on the coding strand, the complement: PTCH1 is on the minus strand). VCF-style: chr9-95476846-A-T. GRCh37 (hg19) VCF-style: chr9-98239128-A-T.
Other names: c.1317T>A, p.Phe439Leu (NM_001083602.3); c.1512T>A, p.Phe504Leu (NM_001083603.3); c.1062T>A, p.Phe354Leu (NM_001083604.3, NM_001083605.3, NM_001083606.3 and 1 more transcripts); c.1359T>A, p.Phe453Leu (NM_001354918.2); short protein forms F439L, F504L, F354L, F453L, F505L.
Identifiers: ClinVar variation 3939972 (VCV003939972.1).

ClinVar aggregate classification (germline): Uncertain significance (1 of 4 stars; one submission).

Conditions:
Hereditary cancer-predisposing syndrome. Also called: Tumor predisposition; Hereditary neoplastic syndrome; Hereditary Cancer Syndrome; Neoplastic Syndromes, Hereditary. Identifiers: Orphanet 140162, MedGen C0027672, MeSH D009386, MONDO:0015356.

Submission:

Ambry Genetics
Classification: Uncertain significance for Hereditary cancer-predisposing syndrome. Last evaluated: 2025-05-18. Review status: criteria provided, single submitter. Criteria: Ambry Variant Classification Scheme 2023. Collection method: clinical testing. Allele origin: germline.
Comment: The p.F505L variant (also known as c.1515T>A), located in coding exon 11 of the PTCH1 gene, results from a T to A substitution at nucleotide position 1515. The phenylalanine at codon 505 is replaced by leucine, an amino acid with highly similar properties. This amino acid position is highly conserved in available vertebrate species. In addition, this alteration is predicted to be deleterious by in silico analysis. Based on the available evidence, the clinical significance of this variant remains unclear.